The following is an entry in ClinVar:

ClinVar aggregate classification (germline): Uncertain significance. Review status: criteria provided, multiple submitters, no conflicts (2 of 4 stars). 2 submissions from 2 submitters: Uncertain significance (2). Last evaluated 2024-01-08.

Conditions:
Epilepsy. Also called: Seizure disorder. Identifiers: MedGen C0014544, MeSH D004827, MONDO:0005027.
Inborn genetic diseases. Identifiers: MedGen C0950123, MeSH D030342.

Allele frequency attached by ClinVar (database versions not stated): gnomAD exomes 0.00002 and 0.00005; TOPMed 0.00002; gnomAD 0.00003 and 0.00004; ExAC 0.00004; ESP Exome Variant Server 0.00008.

Submissions (2):

Ambry Genetics
Classification: Uncertain significance for Inborn genetic diseases. Last evaluated: 2024-01-08. Review status: criteria provided, single submitter. Criteria: Ambry Variant Classification Scheme 2023. Collection method: clinical testing. Allele origin: germline.

Labcorp Genetics (formerly Invitae), Labcorp
Classification: Uncertain significance for Epilepsy. Last evaluated: 2022-05-03. Review status: criteria provided, single submitter. Criteria: Invitae Variant Classification Sherloc (09022015). Collection method: clinical testing. Allele origin: germline.
Comment: This sequence change replaces valine, which is neutral and non-polar, with isoleucine, which is neutral and non-polar, at codon 226 of the PIGQ protein (p.Val226Ile). This variant is present in population databases (rs376471933, gnomAD 0.007%). This variant has not been reported in the literature in individuals affected with PIGQ-related conditions. ClinVar contains an entry for this variant (Variation ID: 526273). Algorithms developed to predict the effect of missense changes on protein structure and function output the following: SIFT: "Tolerated"; PolyPhen-2: "Benign"; Align-GVGD: "Class C0". The isoleucine amino acid residue is found in multiple mammalian species, which suggests that this missense change does not adversely affect protein function. In summary, the available evidence is currently insufficient to determine the role of this variant in disease. Therefore, it has been classified as a Variant of Uncertain Significance.

NM_004204.5(PIGQ):c.676G>A (p.Val226Ile)

Gene: PIGQ (phosphatidylinositol glycan anchor biosynthesis class Q; plus strand). Cytogenetic location: 16p13.3.
Variant type: single nucleotide variant.
Coding change: c.676G>A on transcript NM_004204.5 (MANE Select); coding-DNA position 676, G replaced by A.
Protein change: p.Val226Ile; replaces valine 226 with isoleucine.
Molecular consequence: missense variant.
Genome position (GRCh38, 1-based): chr16:574,750, G>A. VCF-style: chr16-574750-G-A. GRCh37 (hg19) VCF-style: chr16-624750-G-A.
Other names: c.676G>A (NM_148920.1); c.676G>A, p.Val226Ile (NM_148920.4); short protein forms V226I.
Identifiers: ClinVar variation 526273 (VCV000526273.3), dbSNP rs376471933, ClinGen allele CA7779934.